The following is an entry in ClinVar:

NM_002742.3(PRKD1):c.59C>T (p.Ala20Val)

Gene: PRKD1 (protein kinase D1; minus strand). Cytogenetic location: 14q12.
Variant type: single nucleotide variant.
Coding change: c.59C>T on transcript NM_002742.3 (MANE Select); coding-DNA position 59, C replaced by T.
Protein change: p.Ala20Val; replaces alanine 20 with valine.
Molecular consequence: missense variant.
Genome position (GRCh38, 1-based): chr14:29,927,454, G>A on the plus strand (C>T on the coding strand, the complement: PRKD1 is on the minus strand). VCF-style: chr14-29927454-G-A. GRCh37 (hg19) VCF-style: chr14-30396660-G-A.
Other names: c.59C>T, p.Ala20Val (NM_001330069.2); c.59C>T (NM_002742.2); short protein forms A20V.
Identifiers: ClinVar variation 3051587 (VCV003051587.4), dbSNP rs570805784, ClinGen allele CA7141590.

ClinVar aggregate classification (germline): Conflicting classifications of pathogenicity. Review status: criteria provided, conflicting classifications (1 of 4 stars). 3 submissions from 3 submitters: Uncertain significance (1); Likely benign (1). 1 of the submissions does not count toward it. Last evaluated 2025-04-07.

Conditions:
PRKD1-related disorder. Also called: PRKD1-related condition.

Allele frequency attached by ClinVar (database versions not stated): TOPMed 0.00005; gnomAD 0.00010; 1000 Genomes Project 0.00040; 1000 Genomes Project 30x 0.00047; ExAC 0.00460.
gnomAD v4.1: 184 of 1,307,222 alleles (0.014%); highest among the groups gnomAD compares: South Asian, 0.34%; 3 homozygotes.

Submissions (3):

GeneDx
Classification: Uncertain significance. Last evaluated: 2025-04-07. Review status: criteria provided, single submitter. Criteria: GeneDx Variant Classification Process June 2021. Collection method: clinical testing. Allele origin: germline. Affected: yes.
Comment: In silico analysis indicates that this missense variant does not alter protein structure/function; Has not been previously published as pathogenic or benign to our knowledge

Blueprint Genetics
Classification: Likely benign. Last evaluated: 2024-10-28. Review status: criteria provided, single submitter. Criteria: ACMG Guidelines, 2015. Collection method: clinical testing. Allele origin: germline.

PreventionGenetics, part of Exact Sciences
Classification: Likely benign for PRKD1-related condition. Last evaluated: 2019-03-25. Review status: no assertion criteria provided. Collection method: clinical testing. Allele origin: germline. Not counted in ClinVar's aggregate classification.
Comment: This variant is classified as likely benign based on ACMG/AMP sequence variant interpretation guidelines (Richards et al. 2015 PMID: 25741868, with internal and published modifications).